The following is an entry in ClinVar:

NM_003977.3(AIP):c.[-125-145_-125-144delCGinsAA];[-125-95G>A]

Variant type: CompoundHeterozygote.
Identifiers: ClinVar variation 424704 (VCV000424704.5).

ClinVar aggregate classification (germline): Likely pathogenic (0 of 4 stars; one submission).

Conditions:
Somatotroph adenoma (PITA1). Also called: ISOLATED FAMILIAL SOMATOTROPINOMA; SOMATOTROPHINOMA, FAMILIAL; Pituitary adenoma, growth hormone-secreting; Pituitary tumor, growth hormone-secreting, somatic; ACROMEGALY DUE TO PITUITARY ADENOMA 1; PITUITARY ADENOMA 1, MULTIPLE TYPES. Identifiers: Orphanet 314777, Orphanet 963, MedGen C4538355, MONDO:0007052, OMIM 102200.

Submission:

GeneReviews
Classification: Likely pathogenic for AIP-Related Familial Isolated Pituitary Adenomas. Last evaluated: 2012-06-21. Review status: no assertion criteria provided. Collection method: curation. Allele origin: unknown.
ClinVar note: Converted during submission from probable-pathogenic to Likely pathogenic.